The following is an entry in ClinVar:

NM_025137.4(SPG11):c.491C>T (p.Ser164Leu)

Gene: SPG11 (SPG11 vesicle trafficking associated, spatacsin; minus strand). Cytogenetic location: 15q21.1.
Variant type: single nucleotide variant.
Coding change: c.491C>T on transcript NM_025137.4 (MANE Select); coding-DNA position 491, C replaced by T.
Protein change: p.Ser164Leu; replaces serine 164 with leucine.
Molecular consequence: missense variant.
Genome position (GRCh38, 1-based): chr15:44,659,255, G>A on the plus strand (C>T on the coding strand, the complement: SPG11 is on the minus strand). VCF-style: chr15-44659255-G-A. GRCh37 (hg19) VCF-style: chr15-44951453-G-A.
Other names: c.491C>T, p.Ser164Leu (NM_001160227.2); short protein forms S164L.
Identifiers: ClinVar variation 406509 (VCV000406509.25), dbSNP rs148175530, ClinGen allele CA7535810.

ClinVar aggregate classification (germline): Conflicting classifications of pathogenicity. Review status: criteria provided, conflicting classifications (1 of 4 stars). 7 submissions from 7 submitters: Uncertain significance (4); Likely benign (3). Last evaluated 2026-01-28.

Conditions:
Inborn genetic diseases. Identifiers: MedGen C0950123, MeSH D030342.
Hereditary spastic paraplegia. Also called: Familial spastic paraparesis. Identifiers: Orphanet 685, MedGen C0037773, MONDO:0019064. Disease mechanism: loss of function.
Hereditary spastic paraplegia 11. Also called: SPASTIC PARAPLEGIA, AUTOSOMAL RECESSIVE, COMPLICATED, WITH THIN CORPUS CALLOSUM; SPASTIC PARAPLEGIA, AUTOSOMAL RECESSIVE, WITH MENTAL IMPAIRMENT AND THIN CORPUS CALLOSUM; Spastic Paraplegia 11; Spastic paraplegia, mental retardation and thin corpus callosum; Nakamura Osame syndrome; Autosomal recessive hereditary spastic paraplegia, mental impairment, and thin corpus callosum. Identifiers: Orphanet 2822, MedGen C1858479, MONDO:0011445, OMIM 604360.

Allele frequency attached by ClinVar (database versions not stated): gnomAD exomes 0.00021 and 0.00043; gnomAD 0.00024 and 0.00025; TOPMed 0.00026; ESP Exome Variant Server 0.00031; ExAC 0.00034.
gnomAD v4.1: 370 of 1,614,072 alleles (0.023%); highest among the groups gnomAD compares: East Asian, 0.042%; no homozygotes.

Submissions (7):

Labcorp Genetics (formerly Invitae), Labcorp
Classification: Likely benign for Hereditary spastic paraplegia 11. Last evaluated: 2026-01-28. Review status: criteria provided, single submitter. Criteria: Invitae Variant Classification Sherloc (09022015). Collection method: clinical testing. Allele origin: germline.

GeneDx
Classification: Uncertain significance. Last evaluated: 2025-02-03. Review status: criteria provided, single submitter. Criteria: GeneDx Variant Classification Process June 2021. Collection method: clinical testing. Allele origin: germline. Affected: yes.
Comment: Reported previously in patients with Alzheimer disease and sporadic ALS who also harbored a second SPG11 variant; however, additional clinical and segregation information were not provided (PMID: 25174650, 32166880, 26601740); Reported previously in the homozygous state in a patient with sporadic ALS and not seen in control samples; however, further clinical and segregation information were not provided (PMID: 32409511); In silico analysis indicates that this missense variant does not alter protein structure/function; This variant is associated with the following publications: (PMID: 32166880, 29908077, 26556829, 26601740, 32409511, 25174650)

Blueprint Genetics
Classification: Uncertain significance. Last evaluated: 2024-07-19. Review status: criteria provided, single submitter. Criteria: ACMG Guidelines, 2015. Collection method: clinical testing. Allele origin: germline.

Women's Health and Genetics/Laboratory Corporation of America, LabCorp
Classification: Uncertain significance. Last evaluated: 2022-03-11. Review status: criteria provided, single submitter. Criteria: LabCorp Variant Classification Summary - May 2015. Collection method: clinical testing. Allele origin: germline.
Comment: Variant summary: SPG11 c.491C>T (p.Ser164Leu) results in a non-conservative amino acid change in the encoded protein sequence. Four of five in-silico tools predict a benign effect of the variant on protein function. The variant allele was found at a frequency of 0.00043 in 251368 control chromosomes. This frequency is not significantly higher than estimated for a pathogenic variant in SPG11 causing Hereditary Spastic Paraplegia, Type 11 (0.00043 vs 0.0011), allowing no conclusion about variant significance. c.491C>T has been reported in the literature as a VUS and/or without sufficient evidence among cohorts of individuals with Amyotrophic Lateral Sclerosis (ALS)/Multiple Sclerosis (MS) undergoing multigene panel testing/chip based genotyping/whole genome sequencing (WGS) (example, Ghani_2015, Jung Kim_2016, Jia_2018, Chen_2020, McCann_2020). At-least one of these reports included a homozygous proband with sporadic ALS (example, McCann_2020). These report(s) do not provide unequivocal conclusions about association of the variant with Autosomal Recessive Hereditary Spastic Paraplegia, Type 11. To our knowledge, no experimental evidence demonstrating an impact on protein function has been reported. Three clinical diagnostic laboratories have submitted clinical-significance assessments for this variant to ClinVar after 2014 without evidence for independent evaluation (likely benign, n=1; VUS, n=2). Based on the evidence outlined above, the variant was classified as uncertain significance.

Genome Diagnostics Laboratory, The Hospital for Sick Children
Classification: Likely benign for Hereditary spastic paraplegia. Last evaluated: 2022-01-21. Review status: criteria provided, single submitter. Criteria: ACMG Guidelines, 2015. Collection method: clinical testing. Allele origin: germline. Affected: yes.

Ambry Genetics
Classification: Likely benign for Inborn genetic diseases. Last evaluated: 2019-12-20. Review status: criteria provided, single submitter. Criteria: Ambry Variant Classification Scheme 2023. Collection method: clinical testing. Allele origin: germline.

Illumina Laboratory Services, Illumina
Classification: Uncertain significance for Hereditary spastic paraplegia 11. Last evaluated: 2018-01-12. Review status: criteria provided, single submitter. Criteria: ICSL Variant Classification Criteria 13 December 2019. Collection method: clinical testing. Allele origin: germline.

Literature cited by the submitters: PubMed 29908077 (cited by Women's Health and Genetics/Laboratory Corporation of America, LabCorp); PubMed 32166880 (cited by Women's Health and Genetics/Laboratory Corporation of America, LabCorp); PubMed 25174650 (cited by Women's Health and Genetics/Laboratory Corporation of America, LabCorp); PubMed 26601740 (cited by Women's Health and Genetics/Laboratory Corporation of America, LabCorp); PubMed 32409511 (cited by Women's Health and Genetics/Laboratory Corporation of America, LabCorp).